The following is an entry in ClinVar:

ClinVar aggregate classification (germline): Pathogenic. Review status: criteria provided, multiple submitters, no conflicts (2 of 4 stars). 4 submissions from 3 submitters: Pathogenic (4). Last evaluated 2025-03-21.

Conditions:
Hereditary cancer-predisposing syndrome. Also called: Tumor predisposition; Hereditary neoplastic syndrome; Neoplastic Syndromes, Hereditary; Hereditary Cancer Syndrome. Identifiers: Orphanet 140162, MedGen C0027672, MeSH D009386, MONDO:0015356.
Fanconi anemia complementation group J. Also called: BRIP1-Related Fanconi Anemia. Identifiers: Orphanet 84, MedGen C1836860, MONDO:0012187, OMIM 609054.
Familial cancer of breast. Also called: hereditary breast carcinoma; Hereditary breast cancer; BREAST CANCER, FAMILIAL. Identifiers: Orphanet 227535, MedGen C0346153, MONDO:0016419, OMIM 114480. Disease mechanism: loss of function.

Submissions (4):

Labcorp Genetics (formerly Invitae), Labcorp
Classification: Pathogenic for Familial cancer of breast; Fanconi anemia complementation group J. Last evaluated: 2025-03-21. Review status: criteria provided, single submitter. Criteria: Invitae Variant Classification Sherloc (09022015). Collection method: clinical testing. Allele origin: germline.
Comment: This sequence change creates a premature translational stop signal (p.Ser320Valfs*18) in the BRIP1 gene. It is expected to result in an absent or disrupted protein product. Loss-of-function variants in BRIP1 are known to be pathogenic (PMID: 16116423, 17033622, 21964575). This variant is not present in population databases (gnomAD no frequency). This variant has not been reported in the literature in individuals affected with BRIP1-related conditions. ClinVar contains an entry for this variant (Variation ID: 219758). For these reasons, this variant has been classified as Pathogenic.

Myriad Genetics, Inc.
Classification: Pathogenic for Familial cancer of breast. Last evaluated: 2023-06-01. Review status: criteria provided, single submitter. Criteria: Myriad Autosomal Dominant, Autosomal Recessive and X-Linked Classification Criteria (2023). Collection method: clinical testing. Allele origin: unknown.
Comment: This variant is considered pathogenic. This variant creates a frameshift predicted to result in premature protein truncation.

Ambry Genetics
Classification: Pathogenic for Hereditary cancer-predisposing syndrome. Last evaluated: 2019-05-17. Review status: criteria provided, single submitter. Criteria: Ambry Variant Classification Scheme 2023. Collection method: clinical testing. Allele origin: germline.
Comment: The c.958delA pathogenic mutation, located in coding exon 7 of the BRIP1 gene, results from a deletion of one nucleotide at nucleotide position 958, causing a translational frameshift with a predicted alternate stop codon (p.S320Vfs*18). This alteration is expected to result in loss of function by premature protein truncation or nonsense-mediated mRNA decay. As such, this alteration is interpreted as a disease-causing mutation.

Labcorp Genetics (formerly Invitae), Labcorp
Classification: Pathogenic for Familial cancer of breast. Last evaluated: 2015-08-07. Review status: criteria provided, single submitter. Criteria: Invitae Variant Classification Sherloc (09022015). Collection method: clinical testing. Allele origin: germline.
Comment: This sequence change deletes 1 nucleotide in exon 8 of the BRIP1 mRNA (c.958delA), causing a frameshift at codon 320. This creates a premature translational stop signal (p.Ser320Valfs*18) and is expected to result in an absent or disrupted protein product. While this particular variant has not been reported in the literature, truncating variants in BRIP1 are known to be pathogenic (PMID: 16116423, 17033622, 21964575). For these reasons, this variant has been classified as Pathogenic.

Literature cited by the submitters: PubMed 16116423 (cited by Labcorp Genetics (formerly Invitae), Labcorp); PubMed 17033622 (cited by Labcorp Genetics (formerly Invitae), Labcorp); PubMed 21964575 (cited by Labcorp Genetics (formerly Invitae), Labcorp).

NM_032043.3(BRIP1):c.958del (p.Ser320fs)

Gene: BRIP1 (BRCA1 interacting DNA helicase 1; minus strand). Cytogenetic location: 17q23.2.
Variant type: Deletion.
Coding change: c.958del on transcript NM_032043.3 (MANE Select); coding-DNA position 958, one base deleted (A; older notation c.958delA).
Protein change: p.Ser320fs; shifts the reading frame from serine 320.
Molecular consequence: frameshift variant.
Genome position (GRCh38, 1-based): chr17:61,801,435, T deleted on the plus strand (A on the coding strand, the reverse complement: BRIP1 is on the minus strand). VCF-style (leftmost placement, unchanged base first): chr17-61801434-CT-C. GRCh37 (hg19) VCF-style: chr17-59878795-CT-C.
Other names: c.958delA (NM_032043.2); short protein forms S320fs.
Identifiers: ClinVar variation 219758 (VCV000219758.16), dbSNP rs864622236, ClinGen allele CA349150.